The following is an entry in ClinVar:

NM_018136.5(ASPM):c.637del (p.Ile213fs)

Gene: ASPM (assembly factor for spindle microtubules; minus strand). Cytogenetic location: 1q31.3.
Variant type: Deletion.
Coding change: c.637del on transcript NM_018136.5 (MANE Select); coding-DNA position 637, one base deleted (A; older notation c.637delA).
Protein change: p.Ile213fs; shifts the reading frame from isoleucine 213.
Molecular consequence: frameshift variant.
Genome position (GRCh38, 1-based): chr1:197,143,615, T deleted on the plus strand (A on the coding strand, the reverse complement: ASPM is on the minus strand); the first of 2 consecutive T bases (chr1:197,143,615-197,143,616); deleting either gives the same sequence. VCF-style (leftmost placement, unchanged base first): chr1-197143614-AT-A. GRCh37 (hg19) VCF-style: chr1-197112744-AT-A.
Other names: c.637del, p.Ile213fs (NM_001206846.2); short protein forms I213fs.
Identifiers: ClinVar variation 157854 (VCV000157854.53), dbSNP rs587783258, ClinGen allele CA271083.

ClinVar aggregate classification (germline): Pathogenic. Review status: criteria provided, multiple submitters, no conflicts (2 of 4 stars). 7 submissions from 7 submitters: Pathogenic (7). Last evaluated 2025-09-12.

Conditions:
Developmental and epileptic encephalopathy 116. Identifiers: MedGen C5935615, MONDO:0970945, OMIM 620806.
Microcephaly 5, primary, autosomal recessive (MCPH5). Also called: ASPM Primary Microcephaly. Identifiers: Orphanet 2512, MedGen C1837501, MONDO:0012106, OMIM 608716.

Submissions (7):

Victorian Clinical Genetics Services, Murdoch Childrens Research Institute
Classification: Pathogenic for Microcephaly 5, primary, autosomal recessive. Last evaluated: 2025-09-12. Review status: criteria provided, single submitter. Criteria: ACMG Guidelines, 2015. Collection method: clinical testing. Allele origin: germline. Affected: yes.
Comment: This variant is classified as Pathogenic. Evidence in support of pathogenic classification: Variant is predicted to cause nonsense-mediated decay (NMD) and loss of protein (premature termination codon is located at least 54 nucleotides upstream of the final exon-exon junction); Variant is present in gnomAD <0.01 for a recessive condition (v4: 2 heterozygote(s), 0 homozygote(s)); This variant has strong previous evidence of pathogenicity in unrelated individuals. It has been classified as pathogenic by clinical laboratories in ClinVar; Other NMD-predicted variant(s) comparable to the one identified in this case have very strong previous evidence for pathogenicity (DECIPHER). Additional information: This variant is homozygous; This gene is associated with autosomal recessive disease; Loss of function is a known mechanism of disease in this gene and is associated with microcephaly 5, primary (MIM#608716).

Variantyx, Inc.
Classification: Pathogenic for Developmental and epileptic encephalopathy 116. Last evaluated: 2025-08-23. Review status: criteria provided, single submitter. Criteria: Variantyx Assertion Criteria 2022. Collection method: clinical testing. Allele origin: germline. Inheritance: Autosomal recessive inheritance. Affected: no.
Comment: This is a frameshift variant in the ASPM gene (OMIM: 605481). Pathogenic variants in this gene have been associated with autosomal recessive primary microcephaly 5. This variant introduces a premature termination codon in exon 3 out of 2 and is expected to result in loss of function, which is a known disease mechanism for ASPM in this disorder (PMID: 23611254) (PVS1). This variant has been identified in the homozygous or compound heterozygous state in at least 2 individuals reported in the published literature (PMID: 23611254) (PM3). It has a 0.0060% maximum allele frequency in non-founder control populations (PM2). Based on the current evidence, this variant is classified as pathogenic for autosomal recessive primary microcephaly 5.

GeneDx
Classification: Pathogenic. Last evaluated: 2024-12-05. Review status: criteria provided, single submitter. Criteria: GeneDx Variant Classification Process June 2021. Collection method: clinical testing. Allele origin: germline. Affected: yes.
Comment: Frameshift variant predicted to result in protein truncation or nonsense mediated decay in a gene for which loss of function is a known mechanism of disease; Not observed at significant frequency in large population cohorts (gnomAD); This variant is associated with the following publications: (PMID: 30221345, 23611254)

Genome-Nilou Lab
Classification: Pathogenic for Microcephaly 5, primary, autosomal recessive. Last evaluated: 2023-04-11. Review status: criteria provided, single submitter. Criteria: ACMG Guidelines, 2015. Collection method: clinical testing. Allele origin: germline. Affected: no.

CeGaT Center for Human Genetics Tuebingen
Classification: Pathogenic. Last evaluated: 2017-03-01. Review status: criteria provided, single submitter. Criteria: CeGaT Center For Human Genetics Tuebingen Variant Classification Criteria Version 2. Collection method: clinical testing. Allele origin: germline. Affected: yes. Observed: 1 variant allele.

Clinical Genetics and Genomics, Karolinska University Hospital
Classification: Pathogenic. Last evaluated: 2015-05-28. Review status: criteria provided, single submitter. Criteria: ACMG Guidelines, 2015. Collection method: clinical testing. Allele origin: germline. Affected: yes. Observed: 9 variant alleles.

Genetic Services Laboratory, University of Chicago
Classification: Pathogenic for Microcephaly 5, primary, autosomal recessive. Last evaluated: 2014-06-24. Review status: criteria provided, single submitter. Criteria: ACMG Guidelines, 2015. Collection method: clinical testing. Allele origin: germline. Inheritance: Autosomal recessive inheritance. Affected: yes.

Literature cited by the submitters: PubMed 23611254 (cited by Variantyx, Inc.).